The following is an entry in ClinVar:

ClinVar aggregate classification (germline): Pathogenic. Review status: criteria provided, multiple submitters, no conflicts (2 of 4 stars). 2 submissions from 2 submitters: Pathogenic (2). Last evaluated 2025-12-09.

Conditions:
Neurofibromatosis, type 1 (NF1). Also called: Peripheral type neurofibromatosis; VON RECKLINGHAUSEN DISEASE; Neurofibromatosis, type I; NEUROFIBROMATOSIS, TYPE I, SOMATIC. Identifiers: Orphanet 636, MedGen C0027831, MONDO:0018975, OMIM 162200. Disease mechanism: loss of function.

Submissions (2):

Labcorp Genetics (formerly Invitae), Labcorp
Classification: Pathogenic for Neurofibromatosis, type 1. Last evaluated: 2025-12-09. Review status: criteria provided, single submitter. Criteria: Invitae Variant Classification Sherloc (09022015). Collection method: clinical testing. Allele origin: germline.
Comment: This sequence change creates a premature translational stop signal (p.Leu104*) in the NF1 gene. It is expected to result in an absent or disrupted protein product. Loss-of-function variants in NF1 are known to be pathogenic (PMID: 10712197, 23913538). This variant is not present in population databases (gnomAD no frequency). This premature translational stop signal has been observed in individual(s) with neurofibromatosis type 1 (PMID: 15060124). For these reasons, this variant has been classified as Pathogenic.

GeneDx
Classification: Pathogenic. Last evaluated: 2025-07-28. Review status: criteria provided, single submitter. Criteria: GeneDx Variant Classification Process June 2021. Collection method: clinical testing. Allele origin: germline. Affected: yes.
Comment: Nonsense variant predicted to result in protein truncation or nonsense mediated decay in a gene for which loss-of-function is a known mechanism of disease; Not observed at significant frequency in large population cohorts (gnomAD); Observed in patients with NF1 referred for genetic testing at GeneDx and in published literature (PMID: 15060124); This variant is associated with the following publications: (PMID: 25525159, 15060124)

Literature cited by the submitters: PubMed 10712197 (cited by Labcorp Genetics (formerly Invitae), Labcorp); PubMed 23913538 (cited by Labcorp Genetics (formerly Invitae), Labcorp); PubMed 15060124 (cited by Labcorp Genetics (formerly Invitae), Labcorp).

NM_001042492.3(NF1):c.311T>A (p.Leu104Ter)

Gene: NF1 (neurofibromin 1; plus strand). Cytogenetic location: 17q11.2.
Variant type: single nucleotide variant.
Coding change: c.311T>A on transcript NM_001042492.3 (MANE Select); coding-DNA position 311, T replaced by A.
Protein change: p.Leu104Ter; replaces leucine 104 with a stop codon.
Molecular consequence: nonsense.
Genome position (GRCh38, 1-based): chr17:31,163,208, T>A. VCF-style: chr17-31163208-T-A. GRCh37 (hg19) VCF-style: chr17-29490226-T-A.
Other names: c.311T>A, p.Leu104Ter (NM_000267.4, NM_001128147.3); short protein forms L104*.
Identifiers: ClinVar variation 4690117 (VCV004690117.2).
Genomic context (GRCh38, chr17:31,163,208, plus strand): 5'-AATTAAAGTTTAGAATAATGTGATTATTTCTATTTTAGCAACCAAAGGACACAATGAGAT[T>A]AGATGAAACGATGCTGGTCAAACAGTTGCTGCCAGAAATCTGCCATTTTCTTCACACCTG-3'